The following is an entry in ClinVar:

ClinVar aggregate classification (germline): Uncertain significance (1 of 4 stars; one submission).

Conditions:
ALG6-congenital disorder of glycosylation 1C (CDG1C). Also called: CARBOHYDRATE-DEFICIENT GLYCOPROTEIN SYNDROME, TYPE I, WITH DEFICIENT GLYCOSYLATION OF DOLICHOL-LINKED OLIGOSACCHARIDE; CARBOHYDRATE-DEFICIENT GLYCOPROTEIN SYNDROME, TYPE V; CDG Ic; Congenital disorder of glycosylation, type Ic; Congenital disorder of glycosylation type 1C. Identifiers: Orphanet 79320, MedGen C2930997, MONDO:0011291, OMIM 603147.

Allele frequency attached by ClinVar (database versions not stated): gnomAD exomes below 0.00001; TOPMed 0.00001.

Submission:

Labcorp Genetics (formerly Invitae), Labcorp
Classification: Uncertain significance for ALG6-congenital disorder of glycosylation 1C. Last evaluated: 2022-07-30. Review status: criteria provided, single submitter. Criteria: Invitae Variant Classification Sherloc (09022015). Collection method: clinical testing. Allele origin: germline.
Comment: This sequence change replaces leucine, which is neutral and non-polar, with phenylalanine, which is neutral and non-polar, at codon 486 of the ALG6 protein (p.Leu486Phe). This variant is present in population databases (no rsID available, gnomAD 0.003%). This variant has not been reported in the literature in individuals affected with ALG6-related conditions. Algorithms developed to predict the effect of missense changes on protein structure and function (SIFT, PolyPhen-2, Align-GVGD) all suggest that this variant is likely to be tolerated. In summary, the available evidence is currently insufficient to determine the role of this variant in disease. Therefore, it has been classified as a Variant of Uncertain Significance.

NM_013339.4(ALG6):c.1458G>C (p.Leu486Phe)

Gene: ALG6 (ALG6 alpha-1,3-glucosyltransferase; plus strand). Cytogenetic location: 1p31.3.
Variant type: single nucleotide variant.
Coding change: c.1458G>C on transcript NM_013339.4 (MANE Select); coding-DNA position 1458, G replaced by C.
Protein change: p.Leu486Phe; replaces leucine 486 with phenylalanine.
Molecular consequence: missense variant.
Genome position (GRCh38, 1-based): chr1:63,436,954, G>C. VCF-style: chr1-63436954-G-C. GRCh37 (hg19) VCF-style: chr1-63902625-G-C.
Other names: short protein forms L486F.
Identifiers: ClinVar variation 2092294 (VCV002092294.1), dbSNP rs1468161555, ClinGen allele CA340642024.